The following is an entry in ClinVar:

ClinVar aggregate classification (germline): Uncertain significance (1 of 4 stars; one submission).

Conditions:
Predisposition to Wilms tumor.

gnomAD v4.1: 2 of 1,603,456 alleles (0.00012%); highest among the groups gnomAD compares: South Asian, 0.0022%; no homozygotes.

Submissions (2):

St. Jude Molecular Pathology, St. Jude Children's Research Hospital
Classification: Uncertain significance for Predisposition to Wilms tumor. Last evaluated: 2025-06-17. Review status: criteria provided, single submitter. Criteria: St. Jude Assertion Criteria 2020. Collection method: clinical testing. Allele origin: germline.
Comment: The NYNRIN c.2846+4A>G intronic change results in an A to G substitution at the +4 position of intron 8 of the NYNRIN gene. Algorithms that predict the impact of sequence changes on splicing indicate that this change may impact splicing. This variant is absent in gnomAD v2.1.1. To our knowledge, this variant has not been reported in individuals with Wilms tumor. In summary, the evidence currently available is insufficient to determine the clinical significance of this variant. It has therefore been classified as of uncertain significance.

Dr. Peter K. Rogan Lab, Western University
No classification provided (evidence only). Condition: Ovarian serous cystadenocarcinoma. Review status: no classification provided. Collection method: in vitro. Allele origin: not applicable. Functional consequence: retained intron. Not counted in ClinVar's aggregate classification.

NM_025081.3(NYNRIN):c.2846+4A>G

Gene: NYNRIN (NYN domain and retroviral integrase containing; plus strand). Cytogenetic location: 14q12.
Variant type: single nucleotide variant.
Coding change: c.2846+4A>G on transcript NM_025081.3 (MANE Select); 4 bases into the intron after coding-DNA position 2846, A replaced by G.
Molecular consequence: intron variant.
Genome position (GRCh38, 1-based): chr14:24,413,421, A>G. VCF-style: chr14-24413421-A-G. GRCh37 (hg19) VCF-style: chr14-24882627-A-G.
Other names: NC_000014.8:g.24882627A>G.
Identifiers: ClinVar variation 4056114 (VCV004056114.3).
Genomic context (GRCh38, chr14:24,413,421, plus strand): 5'-TGACCCCCTGGGCCGTGATGGCCCCACCTTGGATGAGTTTCTGAAGAAGCCAAACAGGTA[A>G]TAGGTCAGACCTCCCCAGCCTCCCAGGCCCTCCTGGGGCTGATCGGAAACTTCCCCTTAG-3'